The following is an entry in ClinVar:

NM_144988.4(ALG14):c.140G>T (p.Gly47Val)

Genes: ALG14 (ALG14 UDP-N-acetylglucosaminyltransferase subunit; minus strand), ALG14-AS1 (ALG14 antisense RNA 1; plus strand). Cytogenetic location: 1p21.3.
Variant type: single nucleotide variant.
Coding change: c.140G>T on transcript NM_144988.4 (MANE Select); coding-DNA position 140, G replaced by T.
Protein change: p.Gly47Val; replaces glycine 47 with valine.
Molecular consequence: missense variant.
Genome position (GRCh38, 1-based): chr1:95,065,014, C>A on the plus strand (G>T on the coding strand, the complement: ALG14 is on the minus strand). VCF-style: chr1-95065014-C-A. GRCh37 (hg19) VCF-style: chr1-95530570-C-A.
Other names: c.140G>T, p.Gly47Val (NM_001305242.2); short protein forms G47V.
Identifiers: ClinVar variation 383072 (VCV000383072.11), dbSNP rs139758313, ClinGen allele CA961857.
Genomic context (GRCh38, chr1:95,065,014, plus strand): 5'-TGTCTAGGTGAGTAGGCATTGGACAAGCTCCCAAGCAGCCTCAGGATCTCAGTGGTATGC[C>A]CACCTGGAAAAAATATCAGAAGTCCTAAGATTAAGAAACCCACAATGGACATATCCATTT-3'
Protein context (NP_659425.1, residues 37-57): LSILVVAGSG[Gly47Val]HTTEILRLLG

ClinVar aggregate classification (germline): Conflicting classifications of pathogenicity. Review status: criteria provided, conflicting classifications (1 of 4 stars). 7 submissions from 5 submitters: Likely pathogenic (1); Uncertain significance (6). Last evaluated 2026-09-30.

Conditions:
Myopathy, epilepsy, and progressive cerebral atrophy. Identifiers: MedGen C5436652, MONDO:0033619, OMIM 619036.
Intellectual developmental disorder with epilepsy, behavioral abnormalities, and coarse facies. Identifiers: MedGen C5436646, MONDO:0033572, OMIM 619031.
Inborn genetic diseases. Identifiers: MedGen C0950123, MeSH D030342.
Congenital myasthenic syndrome 15. Also called: Myasthenic syndrome, congenital, 15, without tubular aggregates. Identifiers: Orphanet 353327, Orphanet 590, MedGen C4015596, MONDO:0014542, OMIM 616227.

Allele frequency attached by ClinVar (database versions not stated): gnomAD exomes 0.00002 and 0.00003; gnomAD 0.00004; ExAC 0.00005; ESP Exome Variant Server 0.00008; TOPMed 0.00007.
gnomAD v4.1: 51 of 1,607,850 alleles (0.0032%); highest among the groups gnomAD compares: Admixed American, 0.01%; no homozygotes.

Submissions (7):

GeneDx
Classification: Likely pathogenic. Last evaluated: 2026-09-30. Review status: criteria provided, single submitter. Criteria: GeneDx Variant Classification Process June 2021. Collection method: clinical testing. Allele origin: germline.
Comment: Observed with a pathogenic or likely pathogenic variant on the opposite allele (in trans) in a patient with features of ALG14-congenital disorder of glycosylation in published literature (PMID: 42421312); Not observed at significant frequency in large population cohorts (gnomAD); In silico analysis supports that this missense variant has a deleterious effect on protein structure/function; This variant is associated with the following publications: (PMID: 42421312)

Ambry Genetics
Classification: Uncertain significance for Inborn genetic diseases. Last evaluated: 2025-11-12. Review status: criteria provided, single submitter. Criteria: Ambry Variant Classification Scheme 2023. Collection method: clinical testing. Allele origin: germline.

Blueprint Genetics
Classification: Uncertain significance. Last evaluated: 2024-03-07. Review status: criteria provided, single submitter. Criteria: ACMG Guidelines, 2015. Collection method: clinical testing. Allele origin: germline.

Genome-Nilou Lab
Classification: Uncertain significance for Congenital myasthenic syndrome 15. Last evaluated: 2023-04-11. Review status: criteria provided, single submitter. Criteria: ACMG Guidelines, 2015. Collection method: clinical testing. Allele origin: germline. Affected: no.

Genome-Nilou Lab
Classification: Uncertain significance for Intellectual developmental disorder with epilepsy, behavioral abnormalities, and coarse facies. Last evaluated: 2023-04-11. Review status: criteria provided, single submitter. Criteria: ACMG Guidelines, 2015. Collection method: clinical testing. Allele origin: germline. Affected: no.

Genome-Nilou Lab
Classification: Uncertain significance for Myopathy, epilepsy, and progressive cerebral atrophy. Last evaluated: 2023-04-11. Review status: criteria provided, single submitter. Criteria: ACMG Guidelines, 2015. Collection method: clinical testing. Allele origin: germline. Affected: no.

Labcorp Genetics (formerly Invitae), Labcorp
Classification: Uncertain significance for Congenital myasthenic syndrome 15. Last evaluated: 2021-09-01. Review status: criteria provided, single submitter. Criteria: Invitae Variant Classification Sherloc (09022015). Collection method: clinical testing. Allele origin: germline.
Comment: This sequence change replaces glycine with valine at codon 47 of the ALG14 protein (p.Gly47Val). The glycine residue is highly conserved and there is a moderate physicochemical difference between glycine and valine. This variant is present in population databases (rs139758313, ExAC 0.01%). This variant has not been reported in the literature in individuals affected with ALG14-related conditions. ClinVar contains an entry for this variant (Variation ID: 383072). Algorithms developed to predict the effect of missense changes on protein structure and function are either unavailable or do not agree on the potential impact of this missense change (SIFT: "Deleterious"; PolyPhen-2: "Probably Damaging"; Align-GVGD: "Class C0"). In summary, the available evidence is currently insufficient to determine the role of this variant in disease. Therefore, it has been classified as a Variant of Uncertain Significance.